The following is an entry in ClinVar:

ClinVar aggregate classification (germline): Pathogenic (1 of 4 stars; one submission).

Conditions:
Pitt-Hopkins syndrome (PTHS). Also called: ENCEPHALOPATHY, SEVERE EPILEPTIC, WITH AUTONOMIC DYSFUNCTION; MENTAL RETARDATION, SYNDROMAL, WITH INTERMITTENT HYPERVENTILATION. Identifiers: Orphanet 2896, MedGen C1970431, MONDO:0012589, OMIM 610954.

Submission:

Labcorp Genetics (formerly Invitae), Labcorp
Classification: Pathogenic for Pitt-Hopkins syndrome. Last evaluated: 2023-01-22. Review status: criteria provided, single submitter. Criteria: Invitae Variant Classification Sherloc (09022015). Collection method: clinical testing. Allele origin: germline.
Comment: This sequence change falls in intron 14 of the TCF4 gene. It does not directly change the encoded amino acid sequence of the TCF4 protein. It affects a nucleotide within the consensus splice site. This variant is not present in population databases (gnomAD no frequency). This variant has been observed in individual(s) with Pitt-Hopkins syndrome (PMID: 18728071). In at least one individual the variant was observed to be de novo. ClinVar contains an entry for this variant (Variation ID: 565600). Variants that disrupt the consensus splice site are a relatively common cause of aberrant splicing (PMID: 17576681, 9536098). Algorithms developed to predict the effect of sequence changes on RNA splicing suggest that this variant may disrupt the consensus splice site. For these reasons, this variant has been classified as Pathogenic.

Literature cited by the submitters: PubMed 18728071; PubMed 17576681; PubMed 9536098.

NM_001083962.2(TCF4):c.1146+3A>G

Gene: TCF4 (transcription factor 4; minus strand). Cytogenetic location: 18q21.2.
Variant type: single nucleotide variant.
Coding change: c.1146+3A>G on transcript NM_001083962.2 (MANE Select); 3 bases into the intron after coding-DNA position 1146, A replaced by G.
Molecular consequence: intron variant.
Genome position (GRCh38, 1-based): chr18:55,257,312, T>C on the plus strand (A>G on the coding strand, the complement: TCF4 is on the minus strand). VCF-style: chr18-55257312-T-C. GRCh37 (hg19) VCF-style: chr18-52924543-T-C.
Other names: c.1452+3A>G (NM_001243226.3); c.1071+3A>G (NM_001369584.1, NM_001369576.1, NM_001369577.1 and 6 more transcripts); c.1074+3A>G (NM_001369582.1, NM_001243227.2, NM_001369583.1 and 5 more transcripts); c.1077+3A>G (NM_001369586.1); c.1146+3A>G (NM_001369571.1, NM_001369567.1, NM_001369572.1 and 2 more transcripts); c.1164+3A>G (NM_001243228.2); c.1137+3A>G (NM_001243230.2); c.1143+3A>G (NM_001369569.1, NM_001369573.1, NM_001369570.1 and 2 more transcripts); and 6 more.
Identifiers: ClinVar variation 565600 (VCV000565600.6), dbSNP rs1568490874, ClinGen allele CA891844131.